The following is an entry in ClinVar:

NM_012431.3(SEMA3E):c.378C>T (p.Asn126=)

Gene: SEMA3E (semaphorin 3E; minus strand). Cytogenetic location: 7q21.11.
Variant type: single nucleotide variant.
Coding change: c.378C>T on transcript NM_012431.3 (MANE Select); coding-DNA position 378, C replaced by T.
Protein change: p.Asn126=; no amino-acid change (asparagine 126 retained).
Molecular consequence: synonymous variant.
Genome position (GRCh38, 1-based): chr7:83,466,560, G>A on the plus strand (C>T on the coding strand, the complement: SEMA3E is on the minus strand). VCF-style: chr7-83466560-G-A. GRCh37 (hg19) VCF-style: chr7-83095876-G-A.
Other names: c.198C>T, p.Asn66= (NM_001178129.2).
Identifiers: ClinVar variation 704437 (VCV000704437.11), dbSNP rs758897440, ClinGen allele CA4322353.

ClinVar aggregate classification (germline): Likely benign. Review status: criteria provided, single submitter (1 of 4 stars). 2 submissions from 2 submitters: Likely benign (1). 1 of the submissions does not count toward it. Last evaluated 2024-05-17.

Conditions:
SEMA3E-related disorder. Also called: SEMA3E-related condition.
CHARGE syndrome (CHARGE). Also called: Hittner Hirsch Kreh syndrome; CHARGE ASSOCIATION--COLOBOMA, HEART ANOMALY, CHOANAL ATRESIA, RETARDATION, GENITAL AND EAR ANOMALIES; Coloboma, heart anomaly, choanal atresia, retardation, genital and ear anomalies; CHARGE association; Hall-Hittner syndrome. Identifiers: Orphanet 138, MedGen C0265354, MONDO:0008965.

Allele frequency attached by ClinVar (database versions not stated): TOPMed below 0.00001; gnomAD 0.00001; gnomAD exomes 0.00001; ExAC 0.00002.
gnomAD v4.1: 9 of 1,613,886 alleles (0.00056%); highest among the groups gnomAD compares: Non-Finnish European, 0.00076%; no homozygotes.

Submissions (2):

Labcorp Genetics (formerly Invitae), Labcorp
Classification: Likely benign for CHARGE syndrome. Last evaluated: 2024-05-17. Review status: criteria provided, single submitter. Criteria: Invitae Variant Classification Sherloc (09022015). Collection method: clinical testing. Allele origin: germline.

PreventionGenetics, part of Exact Sciences
Classification: Likely benign for SEMA3E-related condition. Last evaluated: 2023-12-07. Review status: no assertion criteria provided. Collection method: clinical testing. Allele origin: germline. Not counted in ClinVar's aggregate classification.
Comment: This variant is classified as likely benign based on ACMG/AMP sequence variant interpretation guidelines (Richards et al. 2015 PMID: 25741868, with internal and published modifications).